The following is an entry in ClinVar:

NM_006265.3(RAD21):c.880A>G (p.Thr294Ala)

Gene: RAD21 (RAD21 cohesin complex component; minus strand). Cytogenetic location: 8q24.11.
Variant type: single nucleotide variant.
Coding change: c.880A>G on transcript NM_006265.3 (MANE Select); coding-DNA position 880, A replaced by G.
Protein change: p.Thr294Ala; replaces threonine 294 with alanine.
Molecular consequence: missense variant.
Genome position (GRCh38, 1-based): chr8:116,856,223, T>C on the plus strand (A>G on the coding strand, the complement: RAD21 is on the minus strand). VCF-style: chr8-116856223-T-C. GRCh37 (hg19) VCF-style: chr8-117868462-T-C.
Other names: short protein forms T294A.
Identifiers: ClinVar variation 1806797 (VCV001806797.2), dbSNP rs2130466363, ClinGen allele CA372002604.

ClinVar aggregate classification (germline): Uncertain significance (1 of 4 stars; one submission).

Allele frequency attached by ClinVar (database versions not stated): gnomAD exomes 0.00001.
gnomAD v4.1: 10 of 1,608,304 alleles (0.00062%); highest among the groups gnomAD compares: Non-Finnish European, 0.00085%; no homozygotes.

Submission:

GeneDx
Classification: Uncertain significance. Last evaluated: 2023-12-05. Review status: criteria provided, single submitter. Criteria: GeneDx Variant Classification Process June 2021. Collection method: clinical testing. Allele origin: germline. Affected: yes.
Comment: Not observed at significant frequency in large population cohorts (gnomAD); In silico analysis supports that this missense variant has a deleterious effect on protein structure/function; Has not been previously published as pathogenic or benign to our knowledge